The following is an entry in ClinVar:

ClinVar aggregate classification (germline): Pathogenic (1 of 4 stars; one submission).

Conditions:
Asphyxiating thoracic dystrophy 3. Also called: SHORT-RIB THORACIC DYSPLASIA 3 WITH OR WITHOUT POLYDACTYLY; POLYDACTYLY WITH NEONATAL CHONDRODYSTROPHY, TYPE I; SHORT-RIB THORACIC DYSPLASIA 3/6 WITH POLYDACTYLY, DIGENIC; Short rib polydactyly syndrome 2B; Saldino-Noonan Syndrome. Identifiers: Orphanet 474, Orphanet 93269, Orphanet 93270, Orphanet 93271, MedGen C0036069, MONDO:0013127, OMIM 613091.

Submission:

Myriad Genetics, Inc.
Classification: Pathogenic for Asphyxiating thoracic dystrophy 3. Last evaluated: 2026-03-04. Review status: criteria provided, single submitter. Criteria: Myriad Autosomal Dominant, Autosomal Recessive and X-Linked Classification Criteria (2023). Collection method: clinical testing. Allele origin: unknown.
Comment: NM_001377.2(DYNC2H1):c.5651delA(N1884Tfs*19) is expected to be pathogenic in the context of DYNC2H1-related disorders. This variant is predicted to lead to an abnormal or absent protein product due to the creation of a premature termination codon in DYNC2H1, a gene where loss-of-function variants are known to be pathogenic. Please note: this variant was assessed in the context of healthy population screening.

NM_001377.3(DYNC2H1):c.5651del (p.Asn1884fs)

Gene: DYNC2H1 (dynein cytoplasmic 2 heavy chain 1; plus strand). Cytogenetic location: 11q22.3.
Variant type: Deletion.
Coding change: c.5651del on transcript NM_001377.3 (MANE Select); coding-DNA position 5651, one base deleted (A; older notation c.5651delA).
Protein change: p.Asn1884fs; shifts the reading frame from asparagine 1884.
Molecular consequence: frameshift variant.
Genome position (GRCh38, 1-based): chr11:103,174,147, A deleted; the last of 3 consecutive A bases (chr11:103,174,145-103,174,147); deleting any one gives the same sequence. VCF-style (leftmost placement, unchanged base first): chr11-103174144-TA-T. GRCh37 (hg19) VCF-style: chr11-103044873-TA-T.
Other names: c.5651del, p.Asn1884fs (NM_001080463.2); short protein forms N1884fs.
Identifiers: ClinVar variation 5015635 (VCV005015635.1).